The following is an entry in ClinVar:

ClinVar aggregate classification (germline): Uncertain significance (1 of 4 stars; one submission).

Conditions:
Long QT syndrome (LQTS). Identifiers: MedGen C0023976, MeSH D008133, MONDO:0002442. Disease mechanism: loss of function. Inheritance: Various modes of inheritance.

Allele frequency attached by ClinVar (database versions not stated): gnomAD exomes below 0.00001; TOPMed below 0.00001.
gnomAD v4.1: 3 of 1,614,176 alleles (0.00019%); highest among the groups gnomAD compares: South Asian, 0.0011%; no homozygotes.

Submission:

Labcorp Genetics (formerly Invitae), Labcorp
Classification: Uncertain significance for Long QT syndrome. Last evaluated: 2025-03-25. Review status: criteria provided, single submitter. Criteria: Invitae Variant Classification Sherloc (09022015). Collection method: clinical testing. Allele origin: germline.
Comment: This sequence change replaces alanine, which is neutral and non-polar, with threonine, which is neutral and polar, at codon 570 of the KCNH2 protein (p.Ala570Thr). This variant is not present in population databases (gnomAD no frequency). This variant has not been reported in the literature in individuals affected with KCNH2-related conditions. ClinVar contains an entry for this variant (Variation ID: 1043586). An algorithm developed to predict the effect of missense changes on protein structure and function (PolyPhen-2) suggests that this variant is likely to be disruptive. In summary, the available evidence is currently insufficient to determine the role of this variant in disease. Therefore, it has been classified as a Variant of Uncertain Significance.

NM_000238.4(KCNH2):c.1708G>A (p.Ala570Thr)

Gene: KCNH2 (potassium voltage-gated channel subfamily H member 2; minus strand). Cytogenetic location: 7q36.1.
Variant type: single nucleotide variant.
Coding change: c.1708G>A on transcript NM_000238.4 (MANE Select); coding-DNA position 1708, G replaced by A.
Protein change: p.Ala570Thr; replaces alanine 570 with threonine.
Molecular consequence: missense variant.
Genome position (GRCh38, 1-based): chr7:150,951,685, C>T on the plus strand (G>A on the coding strand, the complement: KCNH2 is on the minus strand). VCF-style: chr7-150951685-C-T. GRCh37 (hg19) VCF-style: chr7-150648773-C-T.
Other names: c.688G>A, p.Ala230Thr (NM_001204798.2, NM_172057.3); c.1420G>A, p.Ala474Thr (NM_001406753.1, NM_001406756.1); c.1531G>A, p.Ala511Thr (NM_001406755.1); c.1408G>A, p.Ala470Thr (NM_001406757.1); c.1708G>A, p.Ala570Thr (NM_172056.3); short protein forms A230T, A570T, A470T, A511T, A474T.
Identifiers: ClinVar variation 1043586 (VCV001043586.7), dbSNP rs1727086844, ClinGen allele CA369858715.